The following is an entry in ClinVar:

NM_004947.5(DOCK3):c.4231del (p.Leu1411fs)

Gene: DOCK3 (dedicator of cytokinesis 3; plus strand). Cytogenetic location: 3p21.2.
Variant type: Deletion.
Coding change: c.4231del on transcript NM_004947.5 (MANE Select); coding-DNA position 4231, one base deleted (C; older notation c.4231delC).
Protein change: p.Leu1411fs; shifts the reading frame from leucine 1411.
Molecular consequence: frameshift variant.
Genome position (GRCh38, 1-based): chr3:51,355,005, C deleted; the last of 2 consecutive C bases (chr3:51,355,004-51,355,005); deleting either gives the same sequence. VCF-style (leftmost placement, unchanged base first): chr3-51355003-TC-T. GRCh37 (hg19) VCF-style: chr3-51392434-TC-T.
Other names: short protein forms L1411fs.
Identifiers: ClinVar variation 4293201 (VCV004293201.1).

ClinVar aggregate classification (germline): Pathogenic (1 of 4 stars; one submission).

Conditions:
Neurodevelopmental disorder with impaired intellectual development, hypotonia, and ataxia. Identifiers: MedGen C4749014, MONDO:0032661, OMIM 618292.

Submission:

3billion
Classification: Pathogenic for Neurodevelopmental disorder with impaired intellectual development, hypotonia, and ataxia. Last evaluated: 2024-06-12. Review status: criteria provided, single submitter. Criteria: ACMG Guidelines, 2015. Collection method: clinical testing. Allele origin: germline. Affected: yes.
Comment: The variant is not observed in the gnomAD v4.0.0 dataset. Predicted Consequence/Location: Frameshift: predicted to result in a loss or disruption of normal protein function through nonsense-mediated decay (NMD) or protein truncation. Multiple pathogenic variants are reported downstream of the variant. Therefore, this variant is classified as Pathogenic according to the recommendation of ACMG/AMP guideline.